The following is an entry in ClinVar:

ClinVar aggregate classification (germline): Uncertain significance (1 of 4 stars; one submission).

Submission:

Labcorp Genetics (formerly Invitae), Labcorp
Classification: Uncertain significance. Last evaluated: 2024-05-22. Review status: criteria provided, single submitter. Criteria: Invitae Variant Classification Sherloc (09022015). Collection method: clinical testing. Allele origin: germline.
Comment: This sequence change replaces isoleucine, which is neutral and non-polar, with threonine, which is neutral and polar, at codon 114 of the EMC1 protein (p.Ile114Thr). The frequency data for this variant in the population databases is considered unreliable, as metrics indicate poor data quality at this position in the gnomAD database. This variant has not been reported in the literature in individuals affected with EMC1-related conditions. An algorithm developed to predict the effect of missense changes on protein structure and function (PolyPhen-2) suggests that this variant is likely to be disruptive. In summary, the available evidence is currently insufficient to determine the role of this variant in disease. Therefore, it has been classified as a Variant of Uncertain Significance.

NM_015047.3(EMC1):c.341_342delinsCT (p.Ile114Thr)

Gene: EMC1 (ER membrane protein complex subunit 1; minus strand). Cytogenetic location: 1p36.13.
Variant type: Indel.
Coding change: c.341_342delinsCT on transcript NM_015047.3 (MANE Select); coding-DNA positions 341 to 342, TC replaced by CT.
Protein change: p.Ile114Thr; replaces isoleucine 114 with threonine.
Molecular consequence: missense variant.
Genome position (GRCh38, 1-based): chr1:19,243,652-19,243,653, GA replaced by AG on the plus strand (TC replaced by CT on the coding strand, the reverse complement: EMC1 is on the minus strand). VCF-style: chr1-19243652-GA-AG. GRCh37 (hg19) VCF-style: chr1-19570146-GA-AG.
Other names: c.341_342delinsCT, p.Ile114Thr (NM_001271427.2, NM_001271428.2, NM_001375820.1 and 1 more transcripts); c.275_276delinsCT, p.Ile92Thr (NM_001271429.2); short protein forms I114T, I92T.
Identifiers: ClinVar variation 2983160 (VCV002983160.3), dbSNP rs2536806010, ClinGen allele CA2740090613.